The following is an entry in ClinVar:

NM_000218.3(KCNQ1):c.1324C>G (p.His442Asp)

Gene: KCNQ1 (potassium voltage-gated channel subfamily Q member 1; plus strand). Cytogenetic location: 11p15.5.
Variant type: single nucleotide variant.
Coding change: c.1324C>G on transcript NM_000218.3 (MANE Select); coding-DNA position 1324, C replaced by G.
Protein change: p.His442Asp; replaces histidine 442 with aspartic acid.
Molecular consequence: missense variant.
Genome position (GRCh38, 1-based): chr11:2,588,785, C>G. VCF-style: chr11-2588785-C-G. GRCh37 (hg19) VCF-style: chr11-2610015-C-G.
Other names: c.1228C>G, p.His410Asp (NM_001406836.1); c.1054C>G, p.His352Asp (NM_001406837.1); c.784C>G, p.His262Asp (NM_001406838.1); c.943C>G, p.His315Asp (NM_181798.2); short protein forms H442D, H315D, H352D, H410D, H262D.
Identifiers: ClinVar variation 963906 (VCV000963906.11), dbSNP rs72549409, ClinGen allele CA216334749.
Genomic context (GRCh38, chr11:2,588,785, plus strand): 5'-AAGTTCAAGCTGGACAAAGACAATGGGGTGACTCCTGGAGAGAAGATGCTCACAGTCCCC[C>G]ATATCACGTGCGACCCCCCAGAAGAGCGGCGGCTGGACCACTTCTCTGTCGACGGCTATG-3'
Protein context (NP_000209.2, residues 432-452): TPGEKMLTVP[His442Asp]ITCDPPEERR

ClinVar aggregate classification (germline): Uncertain significance (1 of 4 stars; one submission).

Conditions:
Long QT syndrome (LQTS). Identifiers: MedGen C0023976, MeSH D008133, MONDO:0002442. Disease mechanism: loss of function. Inheritance: Various modes of inheritance.

Allele frequency attached by ClinVar (database versions not stated): gnomAD exomes below 0.00001.
gnomAD v4.1: 1 of 1,613,464 alleles (0.000062%); highest among the groups gnomAD compares: South Asian, 0.0011%; no homozygotes.

Submission:

Labcorp Genetics (formerly Invitae), Labcorp
Classification: Uncertain significance for Long QT syndrome. Last evaluated: 2025-05-01. Review status: criteria provided, single submitter. Criteria: Invitae Variant Classification Sherloc (09022015). Collection method: clinical testing. Allele origin: germline.
Comment: This sequence change replaces histidine, which is basic and polar, with aspartic acid, which is acidic and polar, at codon 442 of the KCNQ1 protein (p.His442Asp). This variant is not present in population databases (gnomAD no frequency). This variant has not been reported in the literature in individuals affected with KCNQ1-related conditions. ClinVar contains an entry for this variant (Variation ID: 963906). Invitae Evidence Modeling of protein sequence and biophysical properties (such as structural, functional, and spatial information, amino acid conservation, physicochemical variation, residue mobility, and thermodynamic stability) indicates that this missense variant is not expected to disrupt KCNQ1 protein function with a negative predictive value of 95%. In summary, the available evidence is currently insufficient to determine the role of this variant in disease. Therefore, it has been classified as a Variant of Uncertain Significance.